The following is an entry in ClinVar:

ClinVar aggregate classification (germline): Uncertain significance (1 of 4 stars; one submission).

Submission:

Labcorp Genetics (formerly Invitae), Labcorp
Classification: Uncertain significance. Last evaluated: 2022-04-17. Review status: criteria provided, single submitter. Criteria: Invitae Variant Classification Sherloc (09022015). Collection method: clinical testing. Allele origin: germline.
Comment: This variant has not been reported in the literature in individuals affected with TRPM1-related conditions. In summary, the available evidence is currently insufficient to determine the role of this variant in disease. Therefore, it has been classified as a Variant of Uncertain Significance. Algorithms developed to predict the effect of missense changes on protein structure and function are either unavailable or do not agree on the potential impact of this missense change (SIFT: "Not Available"; PolyPhen-2: "Benign"; Align-GVGD: "Not Available"). Information on the frequency of this variant in the gnomAD database is not available, as this variant may be reported differently in the database. This sequence change replaces arginine, which is basic and polar, with leucine, which is neutral and non-polar, at codon 1168 of the TRPM1 protein (p.Arg1168Leu).

NM_001252024.2(TRPM1):c.3569_3570delinsTT (p.Arg1190Leu)

Genes: TRPM1 (transient receptor potential cation channel subfamily M member 1; minus strand), TRPM1-AS1 (TRPM1 antisense RNA 1; plus strand), LOC126862088 (BRD4-independent group 4 enhancer GRCh37_chr15:31318084-31319283; plus strand). Cytogenetic location: 15q13.3.
Variant type: Indel.
Coding change: c.3569_3570delinsTT on transcript NM_001252024.2 (MANE Select); coding-DNA positions 3569 to 3570, GG replaced by TT.
Protein change: p.Arg1190Leu; replaces arginine 1190 with leucine.
Molecular consequence: missense variant.
Genome position (GRCh38, 1-based): chr15:31,026,198-31,026,199, CC replaced by AA on the plus strand (GG replaced by TT on the coding strand, the reverse complement: TRPM1 is on the minus strand). VCF-style: chr15-31026198-CC-AA. GRCh37 (hg19) VCF-style: chr15-31318401-CC-AA.
Other names: c.3620_3621delinsTT, p.Arg1207Leu (NM_001252020.2); c.3503_3504delinsTT, p.Arg1168Leu (NM_002420.6); short protein forms R1190L, R1207L, R1168L.
Identifiers: ClinVar variation 2127294 (VCV002127294.4), dbSNP rs2543159724, ClinGen allele CA2580089196.